The following is an entry in ClinVar:

ClinVar aggregate classification (germline): Uncertain significance (1 of 4 stars; one submission).

Conditions:
Perrault syndrome. Also called: Gonadal dysgenesis with auditory dysfunction, autosomal recessive inheritance. Identifiers: Orphanet 2855, MedGen C0685838, MONDO:0017312.
Bifunctional peroxisomal enzyme deficiency (DBIF). Also called: DBP DEFICIENCY; PBFE DEFICIENCY; D-bifunctional protein deficiency. Identifiers: Orphanet 300, MedGen C0342870, MONDO:0009855, OMIM 261515. Disease mechanism: loss of function.

gnomAD v4.1: 1 of 1,612,572 alleles (0.000062%); highest among the groups gnomAD compares: Non-Finnish European, 0.000085%; no homozygotes.

Submission:

Labcorp Genetics (formerly Invitae), Labcorp
Classification: Uncertain significance for Perrault syndrome; Bifunctional peroxisomal enzyme deficiency. Last evaluated: 2025-06-02. Review status: criteria provided, single submitter. Criteria: Invitae Variant Classification Sherloc (09022015). Collection method: clinical testing. Allele origin: germline.
Comment: This sequence change replaces lysine, which is basic and polar, with asparagine, which is neutral and polar, at codon 663 of the HSD17B4 protein (p.Lys663Asn). This variant is not present in population databases (gnomAD no frequency). This variant has not been reported in the literature in individuals affected with HSD17B4-related conditions. Invitae Evidence Modeling of protein sequence and biophysical properties (such as structural, functional, and spatial information, amino acid conservation, physicochemical variation, residue mobility, and thermodynamic stability) indicates that this missense variant is not expected to disrupt HSD17B4 protein function with a negative predictive value of 95%. In summary, the available evidence is currently insufficient to determine the role of this variant in disease. Therefore, it has been classified as a Variant of Uncertain Significance.

NM_000414.4(HSD17B4):c.1989G>T (p.Lys663Asn)

Gene: HSD17B4 (hydroxysteroid 17-beta dehydrogenase 4; plus strand). Cytogenetic location: 5q23.1.
Variant type: single nucleotide variant.
Coding change: c.1989G>T on transcript NM_000414.4 (MANE Select); coding-DNA position 1989, G replaced by T.
Protein change: p.Lys663Asn; replaces lysine 663 with asparagine.
Molecular consequence: missense variant. On other transcripts: non-coding transcript variant (2).
Genome position (GRCh38, 1-based): chr5:119,531,400, G>T. VCF-style: chr5-119531400-G-T. GRCh37 (hg19) VCF-style: chr5-118867095-G-T.
Other names: c.1662G>T, p.Lys554Asn (NM_001374499.1); c.1548G>T, p.Lys516Asn (NM_001374500.1); c.1578G>T, p.Lys526Asn (NM_001374501.1, NM_001374502.1, NM_001374503.1); c.2064G>T, p.Lys688Asn (NM_001199291.3); c.1935G>T, p.Lys645Asn (NM_001199292.2); c.1917G>T, p.Lys639Asn (NM_001292027.2, NM_001374498.1); c.1569G>T, p.Lys523Asn (NM_001292028.2); c.1980G>T, p.Lys660Asn (NM_001374497.1); short protein forms K523N, K554N, K526N, K660N, K663N, K516N, K688N, K639N.
Identifiers: ClinVar variation 4790948 (VCV004790948.1).